The following is an entry in ClinVar:

NM_000059.4(BRCA2):c.724A>T (p.Lys242Ter)

Gene: BRCA2 (BRCA2 DNA repair associated; plus strand). Cytogenetic location: 13q13.1.
Variant type: single nucleotide variant.
Coding change: c.724A>T on transcript NM_000059.4 (MANE Select); coding-DNA position 724, A replaced by T.
Protein change: p.Lys242Ter; replaces lysine 242 with a stop codon.
Molecular consequence: nonsense.
Genome position (GRCh38, 1-based): chr13:32,330,961, A>T. VCF-style: chr13-32330961-A-T. GRCh37 (hg19) VCF-style: chr13-32905098-A-T.
Other names: c.724A>T (NM_000059.3); short protein forms K242*.
Identifiers: ClinVar variation 1072364 (VCV001072364.8), dbSNP rs2137461517, ClinGen allele CA387760002.

ClinVar aggregate classification (germline): Pathogenic. Review status: criteria provided, single submitter (1 of 4 stars). 2 submissions from 2 submitters: Pathogenic (1). 1 of the submissions does not count toward it. Last evaluated 2024-01-24.

Conditions:
Hereditary breast ovarian cancer syndrome. Also called: Hereditary breast and ovarian cancer syndrome (HBOC); Hereditary breast and/or ovarian cancer syndrome; Hereditary breast and ovarian cancer; Breast and ovarian cancer; Hereditary breast and ovarian cancer syndrome; BRCA1- and BRCA2-Associated Hereditary Breast and Ovarian Cancer. Identifiers: Orphanet 145, MedGen C0677776, MeSH D061325, MONDO:0003582. Disease mechanism: loss of function.
Breast-ovarian cancer, familial, susceptibility to, 2 (BROVCA2). Also called: BRCA2 Hereditary Breast and Ovarian Cancer. Identifiers: Orphanet 145, MedGen C2675520, MONDO:0012933, OMIM 612555. Disease mechanism: loss of function.

Submissions (2):

Labcorp Genetics (formerly Invitae), Labcorp
Classification: Pathogenic for Hereditary breast ovarian cancer syndrome. Last evaluated: 2024-01-24. Review status: criteria provided, single submitter. Criteria: Invitae Variant Classification Sherloc (09022015). Collection method: clinical testing. Allele origin: germline.
Comment: This sequence change creates a premature translational stop signal (p.Lys242*) in the BRCA2 gene. It is expected to result in an absent or disrupted protein product. Loss-of-function variants in BRCA2 are known to be pathogenic (PMID: 20104584). This variant is not present in population databases (gnomAD no frequency). This variant has not been reported in the literature in individuals affected with BRCA2-related conditions. ClinVar contains an entry for this variant (Variation ID: 1072364). Algorithms developed to predict the effect of sequence changes on RNA splicing suggest that this variant may disrupt the consensus splice site. For these reasons, this variant has been classified as Pathogenic.

Molecular Oncology, Hospital Universitario Central de Asturias (HUCA)
Classification: Pathogenic for Breast-ovarian cancer, familial, susceptibility to, 2. Last evaluated: 2021-05-24. Review status: no assertion criteria provided. Collection method: case-control. Allele origin: germline. Affected: yes. Not counted in ClinVar's aggregate classification.

Literature cited by the submitters: PubMed 20104584 (cited by Labcorp Genetics (formerly Invitae), Labcorp); PubMed 38922859 (cited by Molecular Oncology, Hospital Universitario Central de Asturias (HUCA)).